The following is an entry in ClinVar:

NM_006005.3(WFS1):c.1045A>G (p.Ile349Val)

Gene: WFS1 (wolframin ER transmembrane glycoprotein; plus strand). Cytogenetic location: 4p16.1.
Variant type: single nucleotide variant.
Coding change: c.1045A>G on transcript NM_006005.3 (MANE Select); coding-DNA position 1045, A replaced by G.
Protein change: p.Ile349Val; replaces isoleucine 349 with valine.
Molecular consequence: missense variant.
Genome position (GRCh38, 1-based): chr4:6,300,840, A>G. VCF-style: chr4-6300840-A-G. GRCh37 (hg19) VCF-style: chr4-6302567-A-G.
Other names: c.1045A>G, p.Ile349Val (NM_001145853.1); short protein forms I349V.
Identifiers: ClinVar variation 2502125 (VCV002502125.5), dbSNP rs1192507929, ClinGen allele CA356174137.
Genomic context (GRCh38, chr4:6,300,840, plus strand): 5'-TTCTTCTTCATCGTCAGCAACCTCACCATCGACTTCTTCGCCTTCTTCATCCCGCTGGTC[A>G]TCTTCTACCTGTCCTTCATCTCCATGGTGATCTGCACCCTCAAGGTGTTCCAGGACAGCA-3'
Protein context (NP_005996.2, residues 339-359): DFFAFFIPLV[Ile349Val]FYLSFISMVI

ClinVar aggregate classification (germline): Uncertain significance. Review status: criteria provided, multiple submitters, no conflicts (2 of 4 stars). 3 submissions from 3 submitters: Uncertain significance (3). Last evaluated 2024-04-27.

Conditions:
Type 2 diabetes mellitus. Also called: Type II diabetes mellitus. Identifiers: MedGen C0011860, MeSH D003924, MONDO:0005148, OMIM 125853, HP:0005978.
Autosomal dominant nonsyndromic hearing loss 6 (LFSNHL). Also called: DEAFNESS, AUTOSOMAL DOMINANT 6; DEAFNESS, AUTOSOMAL DOMINANT 14; DEAFNESS, AUTOSOMAL DOMINANT 38; Autosomal dominant nonsyndromic deafness 6. Identifiers: Orphanet 90635, MedGen C1833021, MONDO:0010963, OMIM 600965.
Wolfram syndrome 1 (WFS1). Identifiers: Orphanet 3463, MedGen C4551693, MONDO:0009101, OMIM 222300.
Wolfram-like syndrome. Also called: HEARING LOSS, PROGRESSIVE, WITH OPTIC ATROPHY AND/OR IMPAIRED GLUCOSE REGULATION. Identifiers: Orphanet 411590, MedGen C3280358, MONDO:0013673, OMIM 614296.
Cataract 41 (CTRCT41). Also called: CATARACT 41, CONGENITAL NUCLEAR TYPE. Identifiers: Orphanet 91492, Orphanet 98991, Orphanet 98992, Orphanet 98995, MedGen C3805412, MONDO:0007287, OMIM 116400.

Allele frequency attached by ClinVar (database versions not stated): gnomAD exomes below 0.00001; gnomAD 0.00001.
gnomAD v4.1: 6 of 1,613,962 alleles (0.00037%); highest among the groups gnomAD compares: Admixed American, 0.005%; no homozygotes.

Submissions (3):

Fulgent Genetics
Classification: Uncertain significance for Cataract 41; Type 2 diabetes mellitus; Wolfram syndrome 1; Autosomal dominant nonsyndromic hearing loss 6; Wolfram-like syndrome. Last evaluated: 2024-04-27. Review status: criteria provided, single submitter. Criteria: ACMG Guidelines, 2015. Collection method: clinical testing. Allele origin: germline.

GeneDx
Classification: Uncertain significance. Last evaluated: 2023-04-28. Review status: criteria provided, single submitter. Criteria: GeneDx Variant Classification Process June 2021. Collection method: clinical testing. Allele origin: germline. Affected: yes.
Comment: In silico analysis supports that this missense variant does not alter protein structure/function; Has not been previously published as pathogenic or benign to our knowledge

Labcorp Genetics (formerly Invitae), Labcorp
Classification: Uncertain significance. Last evaluated: 2022-12-08. Review status: criteria provided, single submitter. Criteria: Invitae Variant Classification Sherloc (09022015). Collection method: clinical testing. Allele origin: germline.
Comment: This sequence change replaces isoleucine, which is neutral and non-polar, with valine, which is neutral and non-polar, at codon 349 of the WFS1 protein (p.Ile349Val). This variant is present in population databases (no rsID available, gnomAD 0.003%). This variant has not been reported in the literature in individuals affected with WFS1-related conditions. Advanced modeling of protein sequence and biophysical properties (such as structural, functional, and spatial information, amino acid conservation, physicochemical variation, residue mobility, and thermodynamic stability) performed at Invitae indicates that this missense variant is not expected to disrupt WFS1 protein function. In summary, the available evidence is currently insufficient to determine the role of this variant in disease. Therefore, it has been classified as a Variant of Uncertain Significance.